The following is an entry in ClinVar:

NM_000195.5(HPS1):c.1940+5C>T

Gene: HPS1 (HPS1 biogenesis of lysosomal organelles complex 3 subunit 1; minus strand). Cytogenetic location: 10q24.2.
Variant type: single nucleotide variant.
Coding change: c.1940+5C>T on transcript NM_000195.5 (MANE Select); 5 bases into the intron after coding-DNA position 1940, C replaced by T.
Molecular consequence: intron variant.
Genome position (GRCh38, 1-based): chr10:98,418,170, G>A on the plus strand (C>T on the coding strand, the complement: HPS1 is on the minus strand). VCF-style: chr10-98418170-G-A. GRCh37 (hg19) VCF-style: chr10-100177927-G-A.
Other names: c.1571+5C>T (NM_001322483.2, NM_001322484.2); c.1679+5C>T (NM_001322480.2, NM_001322481.2); c.1841+5C>T (NM_001322478.2, NM_001322479.2); c.1940+5C>T (NM_001322476.2, NM_001322477.2); c.1472+5C>T (NM_001322485.2); c.1580+5C>T (NM_001322482.2); c.968+5C>T (NM_001322489.2, NM_001311345.2, NM_001322487.2).
Identifiers: ClinVar variation 2064759 (VCV002064759.4), dbSNP rs778282126, ClinGen allele CA5638836.

ClinVar aggregate classification (germline): Uncertain significance. Review status: criteria provided, multiple submitters, no conflicts (2 of 4 stars). 3 submissions from 3 submitters: Uncertain significance (3). Last evaluated 2026-01-22.

Conditions:
Hermansky-Pudlak syndrome 1 (HPS1). Also called: DELTA STORAGE POOL DISEASE. Identifiers: Orphanet 231500, Orphanet 79430, MedGen C2931875, MONDO:0008748, OMIM 203300.

Allele frequency attached by ClinVar (database versions not stated): ExAC 0.00003; gnomAD 0.00003; gnomAD exomes 0.00003; TOPMed 0.00005.
gnomAD v4.1: 47 of 1,591,394 alleles (0.003%); highest among the groups gnomAD compares: South Asian, 0.027%; no homozygotes.

Submissions (3):

Women's Health and Genetics/Laboratory Corporation of America, LabCorp
Classification: Uncertain significance. Last evaluated: 2026-01-22. Review status: criteria provided, single submitter. Criteria: LabCorp Variant Classification Summary - May 2015. Collection method: clinical testing. Allele origin: germline.

Labcorp Genetics (formerly Invitae), Labcorp
Classification: Uncertain significance. Last evaluated: 2024-09-05. Review status: criteria provided, single submitter. Criteria: Invitae Variant Classification Sherloc (09022015). Collection method: clinical testing. Allele origin: germline.
Comment: This sequence change falls in intron 19 of the HPS1 gene. It does not directly change the encoded amino acid sequence of the HPS1 protein. It affects a nucleotide within the consensus splice site. This variant is present in population databases (rs778282126, gnomAD 0.02%). This variant has not been reported in the literature in individuals affected with HPS1-related conditions. ClinVar contains an entry for this variant (Variation ID: 2064759). Variants that disrupt the consensus splice site are a relatively common cause of aberrant splicing (PMID: 17576681, 9536098). Algorithms developed to predict the effect of sequence changes on RNA splicing suggest that this variant is not likely to affect RNA splicing. In summary, the available evidence is currently insufficient to determine the role of this variant in disease. Therefore, it has been classified as a Variant of Uncertain Significance.

Fulgent Genetics
Classification: Uncertain significance for Hermansky-Pudlak syndrome 1. Last evaluated: 2024-03-07. Review status: criteria provided, single submitter. Criteria: ACMG Guidelines, 2015. Collection method: clinical testing. Allele origin: germline.

Literature cited by the submitters: PubMed 17576681 (cited by Labcorp Genetics (formerly Invitae), Labcorp); PubMed 9536098 (cited by Labcorp Genetics (formerly Invitae), Labcorp).